The following is an entry in ClinVar:

ClinVar aggregate classification (germline): Uncertain significance. Review status: criteria provided, multiple submitters, no conflicts (2 of 4 stars). 2 submissions from 2 submitters: Uncertain significance (2). Last evaluated 2025-08-26.

Conditions:
Inborn genetic diseases. Identifiers: MedGen C0950123, MeSH D030342.
Tyrosinemia type II (TYRSN2). Also called: TAT DEFICIENCY; TYROSINE AMINOTRANSFERASE DEFICIENCY; TYROSINE TRANSAMINASE DEFICIENCY; KERATOSIS PALMOPLANTARIS WITH CORNEAL DYSTROPHY; OREGON TYPE TYROSINEMIA. Identifiers: Orphanet 28378, MedGen C0268487, MONDO:0010160, OMIM 276600.

Allele frequency attached by ClinVar (database versions not stated): gnomAD exomes below 0.00001; TOPMed below 0.00001; gnomAD 0.00001.
gnomAD v4.1: 5 of 1,614,070 alleles (0.00031%); highest among the groups gnomAD compares: Admixed American, 0.0033%; no homozygotes.

Submissions (2):

Ambry Genetics
Classification: Uncertain significance for Inborn genetic diseases. Last evaluated: 2025-08-26. Review status: criteria provided, single submitter. Criteria: Ambry Variant Classification Scheme 2023. Collection method: clinical testing. Allele origin: germline.

Labcorp Genetics (formerly Invitae), Labcorp
Classification: Uncertain significance for Tyrosinemia type II. Last evaluated: 2022-01-21. Review status: criteria provided, single submitter. Criteria: Invitae Variant Classification Sherloc (09022015). Collection method: clinical testing. Allele origin: germline.
Comment: This sequence change replaces asparagine, which is neutral and polar, with serine, which is neutral and polar, at codon 187 of the TAT protein (p.Asn187Ser). This variant is present in population databases (no rsID available, gnomAD 0.003%). This variant has not been reported in the literature in individuals affected with TAT-related conditions. Algorithms developed to predict the effect of missense changes on protein structure and function (SIFT, PolyPhen-2, Align-GVGD) all suggest that this variant is likely to be tolerated. Algorithms developed to predict the effect of sequence changes on RNA splicing suggest that this variant may create or strengthen a splice site. In summary, the available evidence is currently insufficient to determine the role of this variant in disease. Therefore, it has been classified as a Variant of Uncertain Significance.

NM_000353.3(TAT):c.560A>G (p.Asn187Ser)

Genes: TAT (tyrosine aminotransferase; minus strand), LOC111413029 (BRD4-independent group 4 enhancer GRCh37_chr16:71605697-71606896; plus strand). Cytogenetic location: 16q22.2.
Variant type: single nucleotide variant.
Coding change: c.560A>G on transcript NM_000353.3 (MANE Select); coding-DNA position 560, A replaced by G.
Protein change: p.Asn187Ser; replaces asparagine 187 with serine.
Molecular consequence: missense variant.
Genome position (GRCh38, 1-based): chr16:71,572,537, T>C on the plus strand (A>G on the coding strand, the complement: TAT is on the minus strand). VCF-style: chr16-71572537-T-C. GRCh37 (hg19) VCF-style: chr16-71606440-T-C.
Other names: c.560A>G (NM_000353.2); short protein forms N187S.
Identifiers: ClinVar variation 2080924 (VCV002080924.2), dbSNP rs1314838779, ClinGen allele CA396653076.